The following is an entry in ClinVar:

ClinVar aggregate classification (germline): Uncertain significance (1 of 4 stars; one submission).

Conditions:
Hereditary cancer-predisposing syndrome. Also called: Neoplastic Syndromes, Hereditary; Tumor predisposition; Hereditary neoplastic syndrome; Hereditary Cancer Syndrome. Identifiers: Orphanet 140162, MedGen C0027672, MeSH D009386, MONDO:0015356.
Cardiovascular phenotype. Identifiers: MedGen CN230736.

Submission:

Ambry Genetics
Classification: Uncertain significance for Cardiovascular phenotype; Hereditary cancer-predisposing syndrome. Last evaluated: 2023-04-19. Review status: criteria provided, single submitter. Criteria: Ambry Variant Classification Scheme 2023. Collection method: clinical testing. Allele origin: germline.
Comment: The p.T181P variant (also known as c.541A>C), located in coding exon 6 of the LZTR1 gene, results from an A to C substitution at nucleotide position 541. The threonine at codon 181 is replaced by proline, an amino acid with highly similar properties. This amino acid position is conserved. In addition, this alteration is predicted to be deleterious by in silico analysis. Since supporting evidence is limited at this time, the clinical significance of this alteration remains unclear.

NM_006767.4(LZTR1):c.541A>C (p.Thr181Pro)

Gene: LZTR1 (leucine zipper like post translational regulator 1; plus strand). Cytogenetic location: 22q11.21.
Variant type: single nucleotide variant.
Coding change: c.541A>C on transcript NM_006767.4 (MANE Select); coding-DNA position 541, A replaced by C.
Protein change: p.Thr181Pro; replaces threonine 181 with proline.
Molecular consequence: missense variant.
Genome position (GRCh38, 1-based): chr22:20,988,820, A>C. VCF-style: chr22-20988820-A-C. GRCh37 (hg19) VCF-style: chr22-21343109-A-C.
Other names: short protein forms T181P.
Identifiers: ClinVar variation 3238307 (VCV003238307.1), dbSNP rs1569154947.
Genomic context (GRCh38, chr22:20,988,820, plus strand): 5'-ACTCCCTCCCCTCTTCCCTCACACTCCAGGTTGCCAGTCGCTAGGTCAGCCCATGGGGCC[A>C]CGGTGTACAGTGACAAGCTGTGGATCTTTGCTGGCTATGACGGCAACGCCAGGTGGGTGG-3'
Protein context (NP_006758.2, residues 171-191): LPVARSAHGA[Thr181Pro]VYSDKLWIFA